The following is an entry in ClinVar:

NM_025074.7(FRAS1):c.6496C>A (p.Pro2166Thr)

Gene: FRAS1 (Fraser extracellular matrix complex subunit 1; plus strand). Cytogenetic location: 4q21.21.
Variant type: single nucleotide variant.
Coding change: c.6496C>A on transcript NM_025074.7 (MANE Select); coding-DNA position 6496, C replaced by A.
Protein change: p.Pro2166Thr; replaces proline 2166 with threonine.
Molecular consequence: missense variant.
Genome position (GRCh38, 1-based): chr4:78,451,804, C>A. VCF-style: chr4-78451804-C-A. GRCh37 (hg19) VCF-style: chr4-79372958-C-A.
Other names: c.6496C>A (NM_025074.6); short protein forms P2166T.
Identifiers: ClinVar variation 1435622 (VCV001435622.7), dbSNP rs767095340, ClinGen allele CA2977811.
Genomic context (GRCh38, chr4:78,451,804, plus strand): 5'-AAATCTTGATTTTTTTTCCTTTTTATAGGCCACGTAGAATATAGTCATGGAACAGGAGAA[C>A]CTGGAGGGAGCTTTGCTTTTAAATTTGATGTGGTTGATGGAGAAGGCAACAGATTGATTG-3'
Protein context (NP_079350.5, residues 2156-2176): HVEYSHGTGE[Pro2166Thr]GGSFAFKFDV

ClinVar aggregate classification (germline): Uncertain significance. Review status: criteria provided, multiple submitters, no conflicts (2 of 4 stars). 3 submissions from 3 submitters: Uncertain significance (3). Last evaluated 2025-03-05.

Conditions:
Inborn genetic diseases. Identifiers: MedGen C0950123, MeSH D030342.
Fraser syndrome 1 (FRASRS1). Also called: CRYPTOPHTHALMOS WITH OTHER MALFORMATIONS. Identifiers: Orphanet 2052, MedGen C4551480, MONDO:0054737, OMIM 219000.

Allele frequency attached by ClinVar (database versions not stated): ExAC 0.00001; gnomAD 0.00001; gnomAD exomes 0.00001 and 0.00002; TOPMed 0.00002.
gnomAD v4.1: 32 of 1,612,076 alleles (0.002%); highest among the groups gnomAD compares: Admixed American, 0.0033%; no homozygotes.

Submissions (3):

Ambry Genetics
Classification: Uncertain significance for Inborn genetic diseases. Last evaluated: 2025-03-05. Review status: criteria provided, single submitter. Criteria: Ambry Variant Classification Scheme 2023. Collection method: clinical testing. Allele origin: germline.

Labcorp Genetics (formerly Invitae), Labcorp
Classification: Uncertain significance. Last evaluated: 2022-06-01. Review status: criteria provided, single submitter. Criteria: Invitae Variant Classification Sherloc (09022015). Collection method: clinical testing. Allele origin: germline.
Comment: This sequence change replaces proline, which is neutral and non-polar, with threonine, which is neutral and polar, at codon 2166 of the FRAS1 protein (p.Pro2166Thr). This variant is present in population databases (rs767095340, gnomAD 0.003%). This variant has not been reported in the literature in individuals affected with FRAS1-related conditions. ClinVar contains an entry for this variant (Variation ID: 1435622). Algorithms developed to predict the effect of missense changes on protein structure and function (SIFT, PolyPhen-2, Align-GVGD) all suggest that this variant is likely to be tolerated. In summary, the available evidence is currently insufficient to determine the role of this variant in disease. Therefore, it has been classified as a Variant of Uncertain Significance.

Fulgent Genetics
Classification: Uncertain significance for Fraser syndrome 1. Last evaluated: 2021-11-01. Review status: criteria provided, single submitter. Criteria: ACMG Guidelines, 2015. Collection method: clinical testing. Allele origin: unknown.